The following is an entry in ClinVar:

NM_007327.4(GRIN1):c.1214A>T (p.Gln405Leu)

Gene: GRIN1 (glutamate ionotropic receptor NMDA type subunit 1; plus strand). Cytogenetic location: 9q34.3.
Variant type: single nucleotide variant.
Coding change: c.1214A>T on transcript NM_007327.4 (MANE Select); coding-DNA position 1214, A replaced by T.
Protein change: p.Gln405Leu; replaces glutamine 405 with leucine.
Molecular consequence: missense variant.
Genome position (GRCh38, 1-based): chr9:137,161,072, A>T. VCF-style: chr9-137161072-A-T. GRCh37 (hg19) VCF-style: chr9-140055524-A-T.
Other names: c.1214A>T, p.Gln405Leu (NM_000832.7, NM_021569.4); c.1277A>T, p.Gln426Leu (NM_001185090.2, NM_001185091.2); short protein forms Q426L, Q405L.
Identifiers: ClinVar variation 2866137 (VCV002866137.3), dbSNP rs2538623861, ClinGen allele CA375715861.

ClinVar aggregate classification (germline): Pathogenic (1 of 4 stars; one submission).

Conditions:
Neurodevelopmental disorder with or without hyperkinetic movements and seizures, autosomal dominant. Also called: Intellectual disability, autosomal dominant 8. Identifiers: MedGen C3280282, MONDO:0013655, OMIM 614254.

Submission:

Labcorp Genetics (formerly Invitae), Labcorp
Classification: Pathogenic for Neurodevelopmental disorder with or without hyperkinetic movements and seizures, autosomal dominant. Last evaluated: 2023-07-10. Review status: criteria provided, single submitter. Criteria: Invitae Variant Classification Sherloc (09022015). Collection method: clinical testing. Allele origin: germline.
Comment: For these reasons, this variant has been classified as Pathogenic. Algorithms developed to predict the effect of sequence changes on RNA splicing suggest that this variant may disrupt the consensus splice site. Advanced modeling of protein sequence and biophysical properties (such as structural, functional, and spatial information, amino acid conservation, physicochemical variation, residue mobility, and thermodynamic stability) has been performed at Invitae for this missense variant, however the output from this modeling did not meet the statistical confidence thresholds required to predict the impact of this variant on GRIN1 protein function. This missense change has been observed in individual(s) with developmental and epileptic encephalopathy (Invitae). In at least one individual the variant was observed to be de novo. This variant is not present in population databases (gnomAD no frequency). This sequence change replaces glutamine, which is neutral and polar, with leucine, which is neutral and non-polar, at codon 405 of the GRIN1 protein (p.Gln405Leu).